The following is an entry in ClinVar:

ClinVar aggregate classification (germline): Benign (0 of 4 stars; one submission).

Conditions:
CSNK1G3-related disorder. Also called: CSNK1G3-related condition.

Allele frequency attached by ClinVar (database versions not stated): gnomAD 0.00754; 1000 Genomes Project 0.00759; ESP Exome Variant Server 0.00761; 1000 Genomes Project 30x 0.00765; TOPMed 0.00855.
gnomAD v4.1: 2,306 of 1,597,788 alleles (0.14%); highest among the groups gnomAD compares: African/African-American, 2.6%; 30 homozygotes.

Submission:

PreventionGenetics, part of Exact Sciences
Classification: Benign for CSNK1G3-related condition. Last evaluated: 2019-03-25. Review status: no assertion criteria provided. Collection method: clinical testing. Allele origin: germline.
Comment: This variant is classified as benign based on ACMG/AMP sequence variant interpretation guidelines (Richards et al. 2015 PMID: 25741868, with internal and published modifications).

NM_001364140.2(CSNK1G3):c.1186-6A>G

Gene: CSNK1G3 (casein kinase 1 gamma 3; plus strand). Cytogenetic location: 5q23.2.
Variant type: single nucleotide variant.
Coding change: c.1186-6A>G on transcript NM_001364140.2 (MANE Select); 6 bases into the intron before coding-DNA position 1186, A replaced by G.
Molecular consequence: intron variant.
Genome position (GRCh38, 1-based): chr5:123,604,718, A>G. VCF-style: chr5-123604718-A-G. GRCh37 (hg19) VCF-style: chr5-122940412-A-G.
Other names: c.1162-6A>G (NM_001364141.2, NM_001437482.1); c.1177-6A>G (NM_001437479.1); c.1165-6A>G (NM_001437481.1); c.1180-6A>G (NM_001437477.1); c.1090-6A>G (NM_001270572.2, NM_001364143.2); c.1183-6A>G (NM_001044723.3, NM_004384.5); c.1087-6A>G (NM_001031812.4); c.862-6A>G (NM_001364150.2, NM_001270573.2, NM_001364149.2); and 5 more.
Identifiers: ClinVar variation 3039053 (VCV003039053.2), dbSNP rs114475286, ClinGen allele CA3387742.